The following is an entry in ClinVar:

NM_000454.5(SOD1):c.358-299A>G

Gene: SOD1 (superoxide dismutase 1; plus strand). Cytogenetic location: 21q22.11.
Variant type: single nucleotide variant.
Coding change: c.358-299A>G on transcript NM_000454.5 (MANE Select); 299 bases into the intron before coding-DNA position 358, A replaced by G.
Molecular consequence: intron variant.
Genome position (GRCh38, 1-based): chr21:31,668,172, A>G. VCF-style: chr21-31668172-A-G. GRCh37 (hg19) VCF-style: chr21-33040485-A-G.
Identifiers: ClinVar variation 3030324 (VCV003030324.2), dbSNP rs2049614155, ClinGen allele CA2385880891.

ClinVar aggregate classification (germline): Likely benign (0 of 4 stars; one submission).

Conditions:
SOD1-related disorder. Also called: SOD1-related condition.

Allele frequency attached by ClinVar (database versions not stated): TOPMed below 0.00001.

Submission:

PreventionGenetics, part of Exact Sciences
Classification: Likely benign for SOD1-related condition. Last evaluated: 2021-03-09. Review status: no assertion criteria provided. Collection method: clinical testing. Allele origin: germline.
Comment: This variant is classified as likely benign based on ACMG/AMP sequence variant interpretation guidelines (Richards et al. 2015 PMID: 25741868, with internal and published modifications).